The following is an entry in ClinVar:

NM_000069.3(CACNA1S):c.2744A>T (p.Lys915Met)

Gene: CACNA1S (calcium voltage-gated channel subunit alpha1 S; minus strand). Cytogenetic location: 1q32.1.
Variant type: single nucleotide variant.
Coding change: c.2744A>T on transcript NM_000069.3 (MANE Select); coding-DNA position 2744, A replaced by T.
Protein change: p.Lys915Met; replaces lysine 915 with methionine.
Molecular consequence: missense variant.
Genome position (GRCh38, 1-based): chr1:201,066,230, T>A on the plus strand (A>T on the coding strand, the complement: CACNA1S is on the minus strand). VCF-style: chr1-201066230-T-A. GRCh37 (hg19) VCF-style: chr1-201035358-T-A.
Other names: short protein forms K915M.
Identifiers: ClinVar variation 5008330 (VCV005008330.1).
Genomic context (GRCh38, chr1:201,066,230, plus strand): 5'-GGAGGCCCCTGTAACCCCTCCCATTCCTCTCTGGGGCTCCTGCCCGGGCCCTCTCTCACC[T>A]TCAACCCCTTGGCTCTGTTGATGGCTCTGAGTGGTCGGAGCACCCTCAGCACCCTCAGGA-3'
Protein context (NP_000060.2, residues 905-925): LRAINRAKGL[Lys915Met]HVVQCMFVAI

ClinVar aggregate classification (germline): Uncertain significance (1 of 4 stars; one submission).

Submission:

GeneDx
Classification: Uncertain significance. Last evaluated: 2026-03-07. Review status: criteria provided, single submitter. Criteria: GeneDx Variant Classification Process June 2021. Collection method: clinical testing. Allele origin: germline.
Comment: Not observed at significant frequency in large population cohorts (gnomAD); In silico analysis supports that this missense variant has a deleterious effect on protein structure/function; Has not been previously published as pathogenic or benign to our knowledge